The following is an entry in ClinVar:

ClinVar aggregate classification (germline): Uncertain significance (1 of 4 stars; one submission).

Allele frequency attached by ClinVar (database versions not stated): gnomAD 0.00001.
gnomAD v4.1: 1 of 1,609,586 alleles (0.000062%); highest among the groups gnomAD compares: African/African-American, 0.0013%; no homozygotes.

Submission:

GeneDx
Classification: Uncertain significance. Last evaluated: 2024-07-19. Review status: criteria provided, single submitter. Criteria: GeneDx Variant Classification Process June 2021. Collection method: clinical testing. Allele origin: germline. Affected: yes.
Comment: Not observed at significant frequency in large population cohorts (gnomAD); In silico analysis indicates that this missense variant does not alter protein structure/function; Has not been previously published as pathogenic or benign to our knowledge

NM_020297.4(ABCC9):c.1805T>C (p.Val602Ala)

Gene: ABCC9 (ATP binding cassette subfamily C member 9; minus strand). Cytogenetic location: 12p12.1.
Variant type: single nucleotide variant.
Coding change: c.1805T>C on transcript NM_020297.4 (MANE Select); coding-DNA position 1805, T replaced by C.
Protein change: p.Val602Ala; replaces valine 602 with alanine.
Molecular consequence: missense variant.
Genome position (GRCh38, 1-based): chr12:21,887,932, A>G on the plus strand (T>C on the coding strand, the complement: ABCC9 is on the minus strand). VCF-style: chr12-21887932-A-G. GRCh37 (hg19) VCF-style: chr12-22040866-A-G.
Other names: c.1805T>C, p.Val602Ala (NM_001377273.1, NM_005691.4); c.941T>C, p.Val314Ala (NM_001377274.1); short protein forms V602A, V314A.
Identifiers: ClinVar variation 546468 (VCV000546468.3), dbSNP rs1555103539, ClinGen allele CA384136042.
Genomic context (GRCh38, chr12:21,887,932, plus strand): 5'-CCAGTTCGCCAACTGTCGTCACCAATCTCATCACTCAAGAGAAACTCATTCAGCTTTTGA[A>G]CACTGCAAAAAACAATAAACACAGAATAAGAGTTAACAATAAAACCACCACCAACAAAGT-3'
Protein context (NP_064693.2, residues 592-612): VRFAVKAIIS[Val602Ala]QKLNEFLLSD